The following is an entry in ClinVar:

ClinVar aggregate classification (germline): Uncertain significance (1 of 4 stars; one submission).

Conditions:
Adams-Oliver syndrome 4 (AOS4). Identifiers: Orphanet 974, MedGen C3809092, MONDO:0014124, OMIM 615297.

Submission:

Labcorp Genetics (formerly Invitae), Labcorp
Classification: Uncertain significance for Adams-Oliver syndrome 4. Last evaluated: 2023-12-07. Review status: criteria provided, single submitter. Criteria: Invitae Variant Classification Sherloc (09022015). Collection method: clinical testing. Allele origin: germline.
Comment: This sequence change replaces cysteine, which is neutral and slightly polar, with serine, which is neutral and polar, at codon 135 of the EOGT protein (p.Cys135Ser). This variant is not present in population databases (gnomAD no frequency). This variant has not been reported in the literature in individuals affected with EOGT-related conditions. ClinVar contains an entry for this variant (Variation ID: 1994792). Advanced modeling of protein sequence and biophysical properties (such as structural, functional, and spatial information, amino acid conservation, physicochemical variation, residue mobility, and thermodynamic stability) performed at Invitae indicates that this missense variant is expected to disrupt EOGT protein function with a positive predictive value of 80%. This variant disrupts the p.Cys135 amino acid residue in EOGT. Other variant(s) that disrupt this residue have been determined to be pathogenic (PMID: 29924900, 31368252). This suggests that this residue is clinically significant, and that variants that disrupt this residue are likely to be disease-causing. In summary, the available evidence is currently insufficient to determine the role of this variant in disease. Therefore, it has been classified as a Variant of Uncertain Significance.

Literature cited by the submitters: PubMed 29924900; PubMed 31368252.

NM_001278689.2(EOGT):c.404G>C (p.Cys135Ser)

Gene: EOGT (EGF domain specific O-linked N-acetylglucosamine transferase; minus strand). Cytogenetic location: 3p14.1.
Variant type: single nucleotide variant.
Coding change: c.404G>C on transcript NM_001278689.2 (MANE Select); coding-DNA position 404, G replaced by C.
Protein change: p.Cys135Ser; replaces cysteine 135 with serine.
Molecular consequence: missense variant. On other transcripts: non-coding transcript variant (1).
Genome position (GRCh38, 1-based): chr3:69,007,729, C>G on the plus strand (G>C on the coding strand, the complement: EOGT is on the minus strand). VCF-style: chr3-69007729-C-G. GRCh37 (hg19) VCF-style: chr3-69056880-C-G.
Other names: c.404G>C, p.Cys135Ser (NM_173654.3); short protein forms C135S.
Identifiers: ClinVar variation 1994792 (VCV001994792.4), dbSNP rs1247059195, ClinGen allele CA353468785.
Genomic context (GRCh38, chr3:69,007,729, plus strand): 5'-AAATTAAATAAACAAGTTTATTTAGTAAGGAGCAAAATACCCACCGTTTCCTTAGGCTGA[C>G]AGAGCACATGCATCTCCTCCAGCCTCTCTCTGGCATATCCAAAGTCAGCTTGTTTCCAAA-3'
Protein context (NP_001265618.1, residues 125-145): RERLEEMHVL[Cys135Ser]QPKETSDSSL